The following is an entry in ClinVar:

NM_005529.7(HSPG2):c.12364G>C (p.Ala4122Pro)

Gene: HSPG2 (heparan sulfate proteoglycan 2; minus strand). Cytogenetic location: 1p36.12.
Variant type: single nucleotide variant.
Coding change: c.12364G>C on transcript NM_005529.7 (MANE Select); coding-DNA position 12364, G replaced by C.
Protein change: p.Ala4122Pro; replaces alanine 4122 with proline.
Molecular consequence: missense variant.
Genome position (GRCh38, 1-based): chr1:21,828,300, C>G on the plus strand (G>C on the coding strand, the complement: HSPG2 is on the minus strand). VCF-style: chr1-21828300-C-G. GRCh37 (hg19) VCF-style: chr1-22154793-C-G.
Other names: c.12367G>C, p.Ala4123Pro (NM_001291860.2); short protein forms A4122P, A4123P.
Identifiers: ClinVar variation 1061642 (VCV001061642.9), dbSNP rs776288513, ClinGen allele CA10951731.

ClinVar aggregate classification (germline): Uncertain significance (1 of 4 stars; one submission).

gnomAD v4.1: 4 of 1,613,664 alleles (0.00025%); highest among the groups gnomAD compares: African/African-American, 0.004%; no homozygotes.

Submission:

Labcorp Genetics (formerly Invitae), Labcorp
Classification: Uncertain significance. Last evaluated: 2020-03-18. Review status: criteria provided, single submitter. Criteria: Invitae Variant Classification Sherloc (09022015). Collection method: clinical testing. Allele origin: germline.
Comment: This sequence change replaces alanine with proline at codon 4122 of the HSPG2 protein (p.Ala4122Pro). The alanine residue is weakly conserved and there is a small physicochemical difference between alanine and proline. This variant is not present in population databases (ExAC no frequency). This variant has not been reported in the literature in individuals with HSPG2-related conditions. Algorithms developed to predict the effect of missense changes on protein structure and function are either unavailable or do not agree on the potential impact of this missense change (SIFT: "Tolerated"; PolyPhen-2: "Possibly Damaging"; Align-GVGD: "Class C0"). In summary, the available evidence is currently insufficient to determine the role of this variant in disease. Therefore, it has been classified as a Variant of Uncertain Significance.